The following is an entry in ClinVar:

ClinVar aggregate classification (germline): Conflicting classifications of pathogenicity. Review status: criteria provided, conflicting classifications (1 of 4 stars). 3 submissions from 3 submitters: Uncertain significance (1); Benign (1); Likely benign (1). Last evaluated 2025-03-20.

Conditions:
Inborn genetic diseases. Identifiers: MedGen C0950123, MeSH D030342.

Allele frequency attached by ClinVar (database versions not stated): TOPMed 0.00002; gnomAD exomes 0.00003; ExAC 0.00006.
gnomAD v4.1: 18 of 1,614,144 alleles (0.0011%); highest among the groups gnomAD compares: Admixed American, 0.028%; no homozygotes.

Submissions (3):

Ambry Genetics
Classification: Likely benign for Inborn genetic diseases. Last evaluated: 2025-03-20. Review status: criteria provided, single submitter. Criteria: Ambry Variant Classification Scheme 2023. Collection method: clinical testing. Allele origin: germline.

Women's Health and Genetics/Laboratory Corporation of America, LabCorp
Classification: Uncertain significance. Last evaluated: 2024-12-18. Review status: criteria provided, single submitter. Criteria: LabCorp Variant Classification Summary - May 2015. Collection method: clinical testing. Allele origin: germline.
Comment: Variant summary: KMT2C c.13033T>C (p.Cys4345Arg) results in a non-conservative amino acid change in the encoded protein sequence. Three of five in-silico tools predict a benign effect of the variant on protein function. The variant allele was found at a frequency of 6.4e-05 in 251184 control chromosomes, predominantly at a frequency of 0.00046 within the Latino subpopulation in the gnomAD database. This frequency is not significantly higher than estimated for a pathogenic variant in KMT2C causing Kleefstra Syndrome 2, allowing no conclusion about variant significance. To our knowledge, no occurrence of c.13033T>C in individuals affected with Kleefstra Syndrome 2 and no experimental evidence demonstrating its impact on protein function have been reported. ClinVar contains an entry for this variant (Variation ID: 2413602). Based on the evidence outlined above, the variant was classified as uncertain significance.

Labcorp Genetics (formerly Invitae), Labcorp
Classification: Benign. Last evaluated: 2024-12-02. Review status: criteria provided, single submitter. Criteria: Invitae Variant Classification Sherloc (09022015). Collection method: clinical testing. Allele origin: germline.

NM_170606.3(KMT2C):c.13033T>C (p.Cys4345Arg)

Gene: KMT2C (lysine methyltransferase 2C; minus strand). Cytogenetic location: 7q36.1.
Variant type: single nucleotide variant.
Coding change: c.13033T>C on transcript NM_170606.3 (MANE Select); coding-DNA position 13033, T replaced by C.
Protein change: p.Cys4345Arg; replaces cysteine 4345 with arginine.
Molecular consequence: missense variant.
Genome position (GRCh38, 1-based): chr7:152,148,894, A>G on the plus strand (T>C on the coding strand, the complement: KMT2C is on the minus strand). VCF-style: chr7-152148894-A-G. GRCh37 (hg19) VCF-style: chr7-151845979-A-G.
Other names: c.13033T>C (NM_170606.2); short protein forms C4345R.
Identifiers: ClinVar variation 2413602 (VCV002413602.8), dbSNP rs780138876, ClinGen allele CA4578680.